The following is an entry in ClinVar:

NM_000051.4(ATM):c.8415G>C (p.Met2805Ile)

Genes: ATM (ATM serine/threonine kinase; plus strand), C11orf65 (chromosome 11 open reading frame 65; minus strand). Cytogenetic location: 11q22.3.
Variant type: single nucleotide variant.
Coding change: c.8415G>C on transcript NM_000051.4 (MANE Select); coding-DNA position 8415, G replaced by C.
Protein change: p.Met2805Ile; replaces methionine 2805 with isoleucine.
Molecular consequence: missense variant. On other transcripts: intron variant (2).
Genome position (GRCh38, 1-based): chr11:108,343,368, G>C. VCF-style: chr11-108343368-G-C. GRCh37 (hg19) VCF-style: chr11-108214095-G-C.
Other names: c.8415G>C, p.Met2805Ile (NM_001351834.2); c.641-34297C>G (NM_001330368.2); c.695-8076C>G (NM_001351110.2); short protein forms M2805I.
Identifiers: ClinVar variation 2911520 (VCV002911520.3), dbSNP rs1555135878, ClinGen allele CA382516851.
Genomic context (GRCh38, chr11:108,343,368, plus strand): 5'-TGGTGCTCATAAAAGATACAGGCCAAATGATTTCAGTGCCTTTCAGTGCCAAAAGAAAAT[G>C]ATGGTGAGTGACACCCAAAATTAAAGGTTATTGTAAGATTATTTAATGGCTTATTAAAGC-3'
Protein context (NP_000042.3, residues 2795-2815): DFSAFQCQKK[Met2805Ile]MEVQKKSFEE

ClinVar aggregate classification (germline): Uncertain significance (1 of 4 stars; one submission).

Conditions:
Ataxia-telangiectasia syndrome (AT). Also called: ATAXIA-TELANGIECTASIA, COMPLEMENTATION GROUP A; ATAXIA-TELANGIECTASIA, FRESNO VARIANT; Ataxia-telangiectasia; Ataxia-telangiectasia, complementation group E; LOUIS-BAR SYNDROME; Cerebello-oculocutaneous telangiectasia. Identifiers: Orphanet 100, MedGen C0004135, MONDO:0008840, OMIM 208900.

Allele frequency attached by ClinVar (database versions not stated): gnomAD exomes below 0.00001.
gnomAD v4.1: 1 of 1,613,778 alleles (0.000062%); highest among the groups gnomAD compares: Non-Finnish European, 0.000085%; no homozygotes.

Submission:

Labcorp Genetics (formerly Invitae), Labcorp
Classification: Uncertain significance for Ataxia-telangiectasia syndrome. Last evaluated: 2022-10-31. Review status: criteria provided, single submitter. Criteria: Invitae Variant Classification Sherloc (09022015). Collection method: clinical testing. Allele origin: germline.
Comment: In summary, the available evidence is currently insufficient to determine the role of this variant in disease. Therefore, it has been classified as a Variant of Uncertain Significance. Algorithms developed to predict the effect of missense changes on protein structure and function are either unavailable or do not agree on the potential impact of this missense change (SIFT: "Tolerated"; PolyPhen-2: "Possibly Damaging"; Align-GVGD: "Class C0"). This variant has not been reported in the literature in individuals affected with ATM-related conditions. This sequence change replaces methionine, which is neutral and non-polar, with isoleucine, which is neutral and non-polar, at codon 2805 of the ATM protein (p.Met2805Ile). This variant is not present in population databases (gnomAD no frequency).